The following is an entry in ClinVar:

NM_014231.5(VAMP1):c.*1630C>T

Genes: TAPBPL (TAP binding protein like; plus strand), VAMP1 (vesicle associated membrane protein 1; minus strand). Cytogenetic location: 12p13.31.
Variant type: single nucleotide variant.
Coding change: c.*1630C>T on transcript NM_014231.5 (MANE Select); 1630 bases downstream of the stop codon, C replaced by T.
Molecular consequence: 3 prime UTR variant. On other transcripts: missense variant (1), non-coding transcript variant (1).
Genome position (GRCh38, 1-based): chr12:6,462,840, G>A on the plus strand (C>T on the coding strand, the complement: VAMP1 is on the minus strand). VCF-style: chr12-6462840-G-A. GRCh37 (hg19) VCF-style: chr12-6572006-G-A.
Other names: c.*119C>T (NM_001297438.2); c.343C>T, p.Arg115Trp (NM_016830.4); c.*2036C>T (NM_199245.3); short protein forms R115W.
Identifiers: ClinVar variation 448851 (VCV000448851.29), dbSNP rs71584837, ClinGen allele CA6407527.

ClinVar aggregate classification (germline): Benign/Likely benign. Review status: criteria provided, multiple submitters, no conflicts (2 of 4 stars). 6 submissions from 6 submitters: Benign (2); Likely benign (2). 2 of the submissions do not count toward it. Last evaluated 2026-09-01.

Allele frequency attached by ClinVar (database versions not stated): 1000 Genomes Project 30x 0.00125; 1000 Genomes Project 0.00160; TOPMed 0.00323; gnomAD exomes 0.00331 and 0.00455; gnomAD 0.00377 and 0.00380; ESP Exome Variant Server 0.00384; ExAC 0.00473.
gnomAD v4.1: 7,113 of 1,606,292 alleles (0.44%); highest among the groups gnomAD compares: Non-Finnish European, 0.52%; 22 homozygotes.

Submissions (6):

CeGaT Center for Human Genetics Tuebingen
Classification: Likely benign. Last evaluated: 2026-09-01. Review status: criteria provided, single submitter. Criteria: CeGaT Center For Human Genetics Tuebingen Variant Classification Criteria Version 2. Collection method: clinical testing. Allele origin: germline. Affected: yes. Observed: 14 variant alleles.
Comment: VAMP1: BP4, BS2

Blueprint Genetics
Classification: Likely benign. Last evaluated: 2024-11-11. Review status: criteria provided, single submitter. Criteria: ACMG Guidelines, 2015. Collection method: clinical testing. Allele origin: germline.

Athena Diagnostics
Classification: Benign. Last evaluated: 2017-12-19. Review status: criteria provided, single submitter. Criteria: Athena Diagnostics Criteria. Collection method: clinical testing. Allele origin: germline.

Breakthrough Genomics
Classification: Benign. Review status: criteria provided, single submitter. Criteria: ACMG Guidelines, 2015. Collection method: not provided. Allele origin: germline. Inheritance: Autosomal recessive inheritance. Affected: yes.

Clinical Genetics DNA and cytogenetics Diagnostics Lab, Erasmus MC, Erasmus Medical Center
Classification: Likely benign. Review status: no assertion criteria provided. Collection method: clinical testing. Allele origin: germline. Affected: yes. Study: VKGL Data-share Consensus. Not counted in ClinVar's aggregate classification.

Genome Diagnostics Laboratory, University Medical Center Utrecht
Classification: Likely benign. Review status: no assertion criteria provided. Collection method: clinical testing. Allele origin: germline. Affected: yes. Study: VKGL Data-share Consensus. Not counted in ClinVar's aggregate classification.